The following is an entry in ClinVar:

ClinVar aggregate classification (germline): Uncertain significance (1 of 4 stars; one submission).

Submission:

Labcorp Genetics (formerly Invitae), Labcorp
Classification: Uncertain significance. Last evaluated: 2022-05-15. Review status: criteria provided, single submitter. Criteria: Invitae Variant Classification Sherloc (09022015). Collection method: clinical testing. Allele origin: germline.
Comment: In summary, the available evidence is currently insufficient to determine the role of this variant in disease. Therefore, it has been classified as a Variant of Uncertain Significance. Advanced modeling of protein sequence and biophysical properties (such as structural, functional, and spatial information, amino acid conservation, physicochemical variation, residue mobility, and thermodynamic stability) performed at Invitae indicates that this missense variant is expected to disrupt COL4A3 protein function. This variant has not been reported in the literature in individuals affected with COL4A3-related conditions. This variant is not present in population databases (gnomAD no frequency). This sequence change replaces glycine, which is neutral and non-polar, with arginine, which is basic and polar, at codon 712 of the COL4A3 protein (p.Gly712Arg).

NM_000091.5(COL4A3):c.2134G>C (p.Gly712Arg)

Genes: COL4A3 (collagen type IV alpha 3 chain; plus strand), MFF-DT (MFF divergent transcript; minus strand). Cytogenetic location: 2q36.3.
Variant type: single nucleotide variant.
Coding change: c.2134G>C on transcript NM_000091.5 (MANE Select); coding-DNA position 2134, G replaced by C.
Protein change: p.Gly712Arg; replaces glycine 712 with arginine.
Molecular consequence: missense variant.
Genome position (GRCh38, 1-based): chr2:227,279,801, G>C. VCF-style: chr2-227279801-G-C. GRCh37 (hg19) VCF-style: chr2-228144517-G-C.
Other names: short protein forms G712R.
Identifiers: ClinVar variation 1938650 (VCV001938650.5), dbSNP rs2469747388, ClinGen allele CA350847466.